The following continues an entry in ClinVar:

NM_000363.5(TNNI3):c.484C>T (p.Arg162Trp)

Gene: TNNI3. ClinVar aggregate classification (germline): Uncertain significance. Uncertain significance (1).

Submissions 7 to 15 of 24:

Clinical Genetics Laboratory, Region Ostergotland
Classification: Uncertain significance for Hypertrophic cardiomyopathy 7. Last evaluated: 2024-12-20. Review status: criteria provided, single submitter. Criteria: ACMG Guidelines, 2015. Collection method: clinical testing. Allele origin: germline. Affected: yes. Not counted in ClinVar's aggregate classification.
Comment: The variant NM_000363.5(TNNI3):c.484C>T, p.(Arg162Trp) has been assessed using the ClinGen Cardiomyopathy Expert Panel Specifications to the ACMG/AMP Variant Interpretation Guidelines for TNNI3 Version 1.0.0 Based on this information, the following ACMG/AMP criteria were applied in classifying this variant: PM1

Heterozygous

Blueprint Genetics
Classification: Pathogenic for TNNI3-related disorders. Last evaluated: 2024-08-30. Review status: criteria provided, single submitter. Criteria: ACMG Guidelines, 2015. Collection method: clinical testing. Allele origin: germline. Affected: yes. Observed: 5 variant alleles. Not counted in ClinVar's aggregate classification.

New York Genome Center
Classification: Likely pathogenic for Hypertrophic cardiomyopathy 7; Cardiomyopathy, familial restrictive, 1; Dilated cardiomyopathy 1FF. Last evaluated: 2024-07-16. Review status: criteria provided, single submitter. Criteria: NYGC Assertion Criteria 2020. Collection method: clinical testing. Allele origin: inherited. Observed: 1 variant allele, 1 heterozygote. Not counted in ClinVar's aggregate classification.
Comment: The heterozygous inherited c.484C>T p.Arg162Trp variant in TNNI3 replaces an evolutionarily conserved arginine amino acid with tryptophan at position 162 within the troponin C binding region. This variant is observed on 37 alleles in the gnomAD (v4.1.0) database of genetic variants in the general population (minor allele frequency 0.00002, suggesting that this variant is not a common benign polymorphism in the populations represented by those databases. This variant is enriched in cohorts of patients with hypertrophic cardiomyopathy when compared to the general population represented by the gnomAD (v4.1.0) database. This variant has been reported numerous times in the literature and in case reports as well as cohort studies of individuals with cardiomyopathy [PMID: 23299917, 27532257, 30847666, 32746448, 33673806, 36252119, 35288587, 37652022]. Functional studies suggest that the p.Arg162Trp variant disrupts normal function of the TNNI3 protein by abnormally increasing sensitivity to Ca2+ ions [PMID: 10806205, 11735257]. Other substitutions of this amino acid have been observed in individuals with cardiomyopathy and are classified as pathogenic; p.Arg162Pro [ClinVar ID: 43390] p.Arg162Gln [ClinVar ID: 43389]. Based on the available evidence, the inherited c.484C>T p.Arg162Trp variant in TNNI3 is classified here as Likely Pathogenic.

CeGaT Center for Human Genetics Tuebingen
Classification: Likely pathogenic. Last evaluated: 2024-07-01. Review status: criteria provided, single submitter. Criteria: CeGaT Center For Human Genetics Tuebingen Variant Classification Criteria Version 2. Collection method: clinical testing. Allele origin: germline. Affected: yes. Observed: 1 variant allele. Not counted in ClinVar's aggregate classification.
Comment: TNNI3: PM1, PM5, PS4:Moderate, PM2:Supporting, PS3:Supporting

All of Us Research Program, National Institutes of Health
Classification: Likely pathogenic for Hypertrophic cardiomyopathy. Last evaluated: 2024-01-06. Review status: criteria provided, single submitter. Criteria: ACMG Guidelines, 2015. Collection method: clinical testing. Allele origin: germline. Inheritance: Autosomal dominant inheritance. Observed: 4 variant alleles, 4 heterozygotes. Not counted in ClinVar's aggregate classification.
Comment: This missense variant replaces arginine with tryptophan at codon 162 of the TNNI3 protein. Computational prediction is inconclusive regarding the impact of this variant on protein structure and function (internally defined REVEL score threshold 0.5 < inconclusive < 0.7, PMID: 27666373). Functional studies have shown that this variant increases the Ca2+ sensitivity of cardiac muscle contraction (PMID: 10806205, 11735257). This variant has been reported in over ten individuals affected with hypertrophic cardiomyopathy (PMID: 9241277, 21799269, 21896538, 22429680, 24113344, 27532257, 30105547, 30847666, 32746448, 33495596, 33495597, 33673806). In one family, this variant was observed in homozygosity in two siblings affected with hypertrophic cardiomyopathy (PMID: 24113344). However, four heterozygous carriers from this family were not clinically affected. This variant has been identified in 10/249000 chromosomes in the general population by the Genome Aggregation Database (gnomAD). Different missense variants occurring at this codon, p.Arg162Pro and p.Arg162Gln, are considered to be disease-causing (ClinVar variant ID: 43390 and 43389), suggesting that arginine at this position is important for TNNI3 protein function. Based on the available evidence, this variant is classified as Likely Pathogenic.

This study involves interpretation of variants in research participants for the purpose of population health screening. Participant phenotype was not available at the time of variant classification. Additional details can be found in publication PMID: 35346344, PMCID: PMC8962531

CHEO Genetics Diagnostic Laboratory, Children's Hospital of Eastern Ontario
Classification: Likely pathogenic for Cardiomyopathy. Last evaluated: 2023-01-24. Review status: criteria provided, single submitter. Criteria: ACMG Guidelines, 2015. Collection method: clinical testing. Allele origin: germline. Not counted in ClinVar's aggregate classification.

GeneDx
Classification: Pathogenic. Last evaluated: 2022-04-25. Review status: criteria provided, single submitter. Criteria: GeneDx Variant Classification Process June 2021. Collection method: clinical testing. Allele origin: germline. Affected: yes. Not counted in ClinVar's aggregate classification.
Comment: Published functional studies demonstrate that this variant interferes with normal troponin function and is expected to impair cardiac muscle relaxation (Elliott et al., 2000; Takahashi-Yanaga et al., 2001); In silico analysis supports that this missense variant has a deleterious effect on protein structure/function; This variant is associated with the following publications: (PMID: 23299917, 24113344, 20298698, 20350521, 25351510, 15992656, 29551499, 29203298, 11735257, 23270746, 25637381, 10615387, 23840593, 25342278, 21967901, 22429680, 21839045, 21799269, 9241277, 27532257, 25649125, 15607392, 22876777, 15698845, 15070570, 25132132, 30105547, 32686758, 32830170, 28356264, 32746448, 33673806, 30847666, 31447099, 21896538, 10806205, 33487615)

Fulgent Genetics
Classification: Pathogenic for Cardiomyopathy, familial restrictive, 1; Dilated cardiomyopathy 2A; Dilated cardiomyopathy 1FF; Hypertrophic cardiomyopathy 7. Last evaluated: 2021-08-14. Review status: criteria provided, single submitter. Criteria: ACMG Guidelines, 2015. Collection method: clinical testing. Allele origin: unknown. Not counted in ClinVar's aggregate classification.

Victorian Clinical Genetics Services, Murdoch Childrens Research Institute
Classification: Uncertain significance for Hypertrophic cardiomyopathy 7. Last evaluated: 2020-10-19. Review status: criteria provided, single submitter. Criteria: ACMG Guidelines, 2015. Collection method: clinical testing. Allele origin: germline. Inheritance: Autosomal dominant inheritance. Not counted in ClinVar's aggregate classification.
Comment: Based on the classification scheme VCGS_Germline_v1.3.4, this variant is classified as 3A-VUS. Following criteria are met: 0103 - Both loss-of function and gain-of-function are known mechanisms of disease for this gene and are associated with hypertrophic cardiomyopathy 7 (HCM; MIM#613690). Missense have variants been functionally proven to cause both mechanisms (PMID: 21533915). (I) 0108 - This gene is known to be associated with both recessive and dominant disease. The recessive form of inheritance is the exception and has only been reported in two families (PMIDs: 15070570, 23270746). (I) 0112 - Variants in this gene are known to have reduced penetrance (PMID: 15607392). (I) 0115 - Variants in this gene are known to have variable expressivity (PMID: 23270746). (I) 0200 - Variant is predicted to result in a missense amino acid change from arginine to tryptophan. (I) 0251 - This variant is heterozygous. (I) 0302 - Variant is present in gnomAD (v2) <0.001 for a dominant condition (10 heterozygotes, 0 homozygotes). (SP) 0309 - An alternative amino acid change at the same position has been observed in gnomAD (v2) (10 heterozygote, 0 homozygotes). (I) 0502 - Missense variant with conflicting in silico predictions and uninformative conservation. (I) 0600 - Variant is located in the annotated troponin domain (NCBI, PDB, DECIPHER). (I) 0701 - Other missense variants comparable to the one identified in this case have strong previous evidence for pathogenicity. Three alternative changes in this same residue, p.(Arg162Pro), p.(Arg162Gln) and p.(Arg162Leu), have been reported in multiple individuals with HCM (ClinVar, PMID: 32686758). (SP) 0808 - Previous reports of pathogenicity for this variant are conflicting. Even though there are reports in the literature that classify this variant as a variant of uncertain significance (VUS) (DECIPHER, PMID: 27532257), it has been reported as likely pathogenic and pathogenic in multiple individuals with HCM (ClinVar, PMIDs: 32830170, 32686758, 28420666). It has also been reported in families with autosomal recessive inheritance, with unaffected heterozygote carriers (ClinVar, PMID: 23270746). (I) 1002 - This variant has moderate functional evidence supporting abnormal protein function. In vitro studies show that mutant reduced ability to inhibit actin-TM-activated myosin ATPase and increased calcium sensitivity of ATPase regulation, suggesting that this mutation may result in relaxation abnormalities rather than contraction as other mutants reported in HCM. In addition, the mutant has an increased affinity for TnC (PMID: 10806205). (SP) 1208 - Inheritance information for this variant is not currently available in this individual. (I) Legend: (SP) - Supporting pathogenic, (I) - Information, (SB) - Supporting benign